The following is an entry in ClinVar:

NM_018474.6(KIZ):c.1997A>G (p.Asp666Gly)

Gene: KIZ (kizuna centrosomal protein; plus strand). Cytogenetic location: 20p11.23.
Variant type: single nucleotide variant.
Coding change: c.1997A>G on transcript NM_018474.6 (MANE Select); coding-DNA position 1997, A replaced by G.
Protein change: p.Asp666Gly; replaces aspartic acid 666 with glycine.
Molecular consequence: missense variant.
Genome position (GRCh38, 1-based): chr20:21,246,551, A>G. VCF-style: chr20-21246551-A-G. GRCh37 (hg19) VCF-style: chr20-21227189-A-G.
Other names: c.1688A>G, p.Asp563Gly (NM_001163022.3); c.1598A>G, p.Asp533Gly (NM_001163023.3); c.1850A>G, p.Asp617Gly (NM_001276389.2); c.1943A>G, p.Asp648Gly (NM_001352434.2); c.1634A>G, p.Asp545Gly (NM_001352435.2); c.1655A>G, p.Asp552Gly (NM_001352436.2); short protein forms D533G, D545G, D617G, D666G, D552G, D648G, D563G.
Identifiers: ClinVar variation 1898663 (VCV001898663.6), dbSNP rs763392319, ClinGen allele CA9785054.

ClinVar aggregate classification (germline): Uncertain significance. Review status: criteria provided, multiple submitters, no conflicts (2 of 4 stars). 2 submissions from 2 submitters: Uncertain significance (2). Last evaluated 2024-06-20.

Allele frequency attached by ClinVar (database versions not stated): ExAC 0.00001; TOPMed 0.00002; gnomAD 0.00003.
gnomAD v4.1: 37 of 1,606,908 alleles (0.0023%); highest among the groups gnomAD compares: Non-Finnish European, 0.0029%; no homozygotes.

Submissions (2):

Blueprint Genetics
Classification: Uncertain significance. Last evaluated: 2024-06-20. Review status: criteria provided, single submitter. Criteria: ACMG Guidelines, 2015. Collection method: clinical testing. Allele origin: germline.

Labcorp Genetics (formerly Invitae), Labcorp
Classification: Uncertain significance. Last evaluated: 2022-09-13. Review status: criteria provided, single submitter. Criteria: Invitae Variant Classification Sherloc (09022015). Collection method: clinical testing. Allele origin: germline.
Comment: This sequence change replaces aspartic acid, which is acidic and polar, with glycine, which is neutral and non-polar, at codon 666 of the KIZ protein (p.Asp666Gly). This variant is present in population databases (rs763392319, gnomAD 0.006%). This variant has not been reported in the literature in individuals affected with KIZ-related conditions. Experimental studies and prediction algorithms are not available or were not evaluated, and the functional significance of this variant is currently unknown. In summary, the available evidence is currently insufficient to determine the role of this variant in disease. Therefore, it has been classified as a Variant of Uncertain Significance.